The following is an entry in ClinVar:

NM_015662.3(IFT172):c.4214A>G (p.Lys1405Arg)

Gene: IFT172 (intraflagellar transport 172; minus strand). Cytogenetic location: 2p23.3.
Variant type: single nucleotide variant.
Coding change: c.4214A>G on transcript NM_015662.3 (MANE Select); coding-DNA position 4214, A replaced by G.
Protein change: p.Lys1405Arg; replaces lysine 1405 with arginine.
Molecular consequence: missense variant.
Genome position (GRCh38, 1-based): chr2:27,449,509, T>C on the plus strand (A>G on the coding strand, the complement: IFT172 is on the minus strand). VCF-style: chr2-27449509-T-C. GRCh37 (hg19) VCF-style: chr2-27672376-T-C.
Other names: c.4148A>G, p.Lys1383Arg (NM_001410739.1); short protein forms K1383R, K1405R.
Identifiers: ClinVar variation 1720629 (VCV001720629.3), dbSNP rs2465814535, ClinGen allele CA346421527.

ClinVar aggregate classification (germline): Uncertain significance (1 of 4 stars; one submission).

Conditions:
Short-rib thoracic dysplasia 10 with or without polydactyly (SRTD10). Identifiers: Orphanet 474, MedGen C3810175, MONDO:0014284, OMIM 615630.
Retinitis pigmentosa 71 (RP71). Identifiers: Orphanet 791, MedGen C4225342, MONDO:0014618, OMIM 616394.

Allele frequency attached by ClinVar (database versions not stated): gnomAD exomes below 0.00001.
gnomAD v4.1: 1 of 1,614,216 alleles (0.000062%); no homozygotes.

Submission:

Labcorp Genetics (formerly Invitae), Labcorp
Classification: Uncertain significance for Retinitis pigmentosa 71; Short-rib thoracic dysplasia 10 with or without polydactyly. Last evaluated: 2022-10-17. Review status: criteria provided, single submitter. Criteria: Invitae Variant Classification Sherloc (09022015). Collection method: clinical testing. Allele origin: germline.
Comment: This sequence change replaces lysine, which is basic and polar, with arginine, which is basic and polar, at codon 1405 of the IFT172 protein (p.Lys1405Arg). This variant is not present in population databases (gnomAD no frequency). This variant has not been reported in the literature in individuals affected with IFT172-related conditions. Advanced modeling of protein sequence and biophysical properties (such as structural, functional, and spatial information, amino acid conservation, physicochemical variation, residue mobility, and thermodynamic stability) performed at Invitae indicates that this missense variant is not expected to disrupt IFT172 protein function. In summary, the available evidence is currently insufficient to determine the role of this variant in disease. Therefore, it has been classified as a Variant of Uncertain Significance.